The following is an entry in ClinVar:

ClinVar aggregate classification (germline): Likely benign. Review status: criteria provided, multiple submitters, no conflicts (2 of 4 stars). 2 submissions from 2 submitters: Likely benign (2). Last evaluated 2025-07-29.

Conditions:
HYPERHOMOCYSTEINEMIA, THROMBOTIC, CBS-RELATED. Identifiers: MedGen C3150344, OMIM 236200.

Submissions (2):

Labcorp Genetics (formerly Invitae), Labcorp
Classification: Likely benign for HYPERHOMOCYSTEINEMIA, THROMBOTIC, CBS-RELATED. Last evaluated: 2025-07-29. Review status: criteria provided, single submitter. Criteria: Invitae Variant Classification Sherloc (09022015). Collection method: clinical testing. Allele origin: germline.

GeneDx
Classification: Likely benign. Last evaluated: 2016-06-13. Review status: criteria provided, single submitter. Criteria: GeneDx Variant Classification (06012015). Collection method: clinical testing. Allele origin: germline. Affected: yes.
Comment: This variant is considered likely benign or benign based on one or more of the following criteria: it is a conservative change, it occurs at a poorly conserved position in the protein, it is predicted to be benign by multiple in silico algorithms, and/or has population frequency not consistent with disease.

NM_000071.3(CBS):c.1146-20G>A

Gene: CBS (cystathionine beta-synthase; minus strand). Cytogenetic location: 21q22.3.
Variant type: single nucleotide variant.
Coding change: c.1146-20G>A on transcript NM_000071.3 (MANE Select); 20 bases into the intron before coding-DNA position 1146, G replaced by A.
Molecular consequence: intron variant.
Genome position (GRCh38, 1-based): chr21:43,059,323, C>T on the plus strand (G>A on the coding strand, the complement: CBS is on the minus strand). VCF-style: chr21-43059323-C-T. GRCh37 (hg19) VCF-style: chr21-44479433-C-T.
Other names: c.1146-20G>A (NM_001320298.2, NM_001178009.3, NM_001178008.3); c.831-20G>A (NM_001321072.1).
Identifiers: ClinVar variation 386775 (VCV000386775.8), dbSNP rs1057522600, ClinGen allele CA16608521.
Genomic context (GRCh38, chr21:43,059,323, plus strand): 5'-AGCCCTTCTGCAGCATCCACCTGTCGCTCAGGAACTTGGTCCTGCGGGATGGGGGAGTCA[C>T]CGAGTCCCCGCAGGGCCCCACCGGGCCCCCGCCCCTGCTGAGTGGCACGCACTGCCTGCC-3'